The following is an entry in ClinVar:

ClinVar aggregate classification (germline): Uncertain significance. Review status: criteria provided, multiple submitters, no conflicts (2 of 4 stars). 2 submissions from 2 submitters: Uncertain significance (2). Last evaluated 2022-03-20.

Conditions:
Dyskeratosis congenita, autosomal dominant 2. Identifiers: MedGen C3151443, MONDO:0013521, OMIM 613989.
Idiopathic Pulmonary Fibrosis. Also called: Idiopathic fibrosing alveolitis, chronic form; idiopathic fibrosing alveolitis. Identifiers: Orphanet 2032, MedGen C1800706, MeSH D054990, MONDO:0800504.
Dyskeratosis congenita. Identifiers: Orphanet 1775, MedGen C0265965, MONDO:0015780.

gnomAD v4.1: 1 of 1,549,740 alleles (0.000065%); highest among the groups gnomAD compares: African/African-American, 0.0014%; no homozygotes.

Submissions (2):

Ambry Genetics
Classification: Uncertain significance for Dyskeratosis congenita. Last evaluated: 2022-03-20. Review status: criteria provided, single submitter. Criteria: Ambry Variant Classification Scheme 2023. Collection method: clinical testing. Allele origin: germline.
Comment: The p.R447H variant (also known as c.1340G>A), located in coding exon 2 of the TERT gene, results from a G to A substitution at nucleotide position 1340. The arginine at codon 447 is replaced by histidine, an amino acid with highly similar properties. This amino acid position is conserved. In addition, this alteration is predicted to be tolerated by in silico analysis. Since supporting evidence is limited at this time, the clinical significance of this alteration remains unclear.

Labcorp Genetics (formerly Invitae), Labcorp
Classification: Uncertain significance for Dyskeratosis congenita, autosomal dominant 2; Idiopathic Pulmonary Fibrosis. Last evaluated: 2021-08-28. Review status: criteria provided, single submitter. Criteria: Invitae Variant Classification Sherloc (09022015). Collection method: clinical testing. Allele origin: germline.
Comment: This sequence change replaces arginine with histidine at codon 447 of the TERT protein (p.Arg447His). The arginine residue is weakly conserved and there is a small physicochemical difference between arginine and histidine. The frequency data for this variant in the population databases is considered unreliable, as metrics indicate insufficient coverage at this position in the ExAC database. This variant has not been reported in the literature in individuals affected with TERT-related conditions. Advanced modeling of protein sequence and biophysical properties (such as structural, functional, and spatial information, amino acid conservation, physicochemical variation, residue mobility, and thermodynamic stability) performed at Invitae indicates that this missense variant is not expected to disrupt TERT protein function. In summary, the available evidence is currently insufficient to determine the role of this variant in disease. Therefore, it has been classified as a Variant of Uncertain Significance.

NM_198253.3(TERT):c.1340G>A (p.Arg447His)

Gene: TERT (telomerase reverse transcriptase; minus strand). Cytogenetic location: 5p15.33.
Variant type: single nucleotide variant.
Coding change: c.1340G>A on transcript NM_198253.3 (MANE Select); coding-DNA position 1340, G replaced by A.
Protein change: p.Arg447His; replaces arginine 447 with histidine.
Molecular consequence: missense variant. On other transcripts: non-coding transcript variant (2).
Genome position (GRCh38, 1-based): chr5:1,293,546, C>T on the plus strand (G>A on the coding strand, the complement: TERT is on the minus strand). VCF-style: chr5-1293546-C-T. GRCh37 (hg19) VCF-style: chr5-1293661-C-T.
Other names: c.1340G>A, p.Arg447His (NM_001193376.3); short protein forms R447H.
Identifiers: ClinVar variation 1492281 (VCV001492281.7), dbSNP rs1751132830, ClinGen allele CA359086104.